The following is an entry in ClinVar:

NM_002796.3(PSMB4):c.1A>G (p.Met1Val)

Gene: PSMB4 (proteasome 20S subunit beta 4; plus strand). Cytogenetic location: 1q21.3.
Variant type: single nucleotide variant.
Coding change: c.1A>G on transcript NM_002796.3 (MANE Select); coding-DNA position 1, A replaced by G.
Protein change: p.Met1Val; changes the start codon (methionine 1).
Molecular consequence: missense variant, initiator codon variant.
Genome position (GRCh38, 1-based): chr1:151,399,588, A>G. VCF-style: chr1-151399588-A-G. GRCh37 (hg19) VCF-style: chr1-151372064-A-G.
Other names: short protein forms M1V.
Identifiers: ClinVar variation 1366050 (VCV001366050.7), dbSNP rs756993675, ClinGen allele CA1090547.

ClinVar aggregate classification (germline): Uncertain significance (1 of 4 stars; one submission).

Allele frequency attached by ClinVar (database versions not stated): gnomAD exomes 0.00003 and 0.00004; ExAC 0.00004; gnomAD 0.00004; TOPMed 0.00004.

Submission:

Labcorp Genetics (formerly Invitae), Labcorp
Classification: Uncertain significance. Last evaluated: 2025-11-19. Review status: criteria provided, single submitter. Criteria: Invitae Variant Classification Sherloc (09022015). Collection method: clinical testing. Allele origin: germline.
Comment: This sequence change affects the initiator codon of the PSMB4 mRNA. This change may impact translation initiation or efficiency. The next in-frame methionine is located at codon 32. This variant is present in population databases (rs756993675, gnomAD 0.007%). This variant has not been reported in the literature in individuals affected with PSMB4-related conditions. ClinVar contains an entry for this variant (Variation ID: 1366050). Algorithms developed to predict the effect of sequence changes on RNA splicing suggest that this variant may create or strengthen a splice site. In summary, the available evidence is currently insufficient to determine the role of this variant in disease. Therefore, it has been classified as a Variant of Uncertain Significance.